The following is an entry in ClinVar:

NM_014727.3(KMT2B):c.7595G>A (p.Arg2532Gln)

Gene: KMT2B (lysine methyltransferase 2B; plus strand). Cytogenetic location: 19q13.12.
Variant type: single nucleotide variant.
Coding change: c.7595G>A on transcript NM_014727.3 (MANE Select); coding-DNA position 7595, G replaced by A.
Protein change: p.Arg2532Gln; replaces arginine 2532 with glutamine.
Molecular consequence: missense variant.
Genome position (GRCh38, 1-based): chr19:35,737,680, G>A. VCF-style: chr19-35737680-G-A. GRCh37 (hg19) VCF-style: chr19-36228581-G-A.
Other names: short protein forms R2532Q.
Identifiers: ClinVar variation 2433181 (VCV002433181.6), dbSNP rs2513368301, ClinGen allele CA405437882.

ClinVar aggregate classification (germline): Uncertain significance. Review status: criteria provided, multiple submitters, no conflicts (2 of 4 stars). 2 submissions from 2 submitters: Uncertain significance (2). Last evaluated 2026-09-14.

gnomAD v4.1: 1 of 1,579,186 alleles (0.000063%); highest among the groups gnomAD compares: Admixed American, 0.0018%; no homozygotes.

Submissions (2):

GeneDx
Classification: Uncertain significance. Last evaluated: 2026-09-14. Review status: criteria provided, single submitter. Criteria: GeneDx Variant Classification Process June 2021. Collection method: clinical testing. Allele origin: germline.
Comment: Not observed at significant frequency in large population cohorts (gnomAD); In silico analysis supports that this missense variant has a deleterious effect on protein structure/function; In silico analysis suggests this variant may impact gene splicing. In the absence of RNA/functional studies, the actual effect of this sequence change is unknown.; This variant is associated with the following publications: (PMID: 34380541)

Revvity Omics, Revvity
Classification: Uncertain significance. Last evaluated: 2022-08-31. Review status: criteria provided, single submitter. Criteria: ACMG Guidelines, 2015. Collection method: clinical testing. Allele origin: germline.